The following is an entry in ClinVar:

ClinVar aggregate classification (germline): Uncertain significance (1 of 4 stars; one submission).

gnomAD v4.1: 3 of 1,528,694 alleles (0.0002%); highest among the groups gnomAD compares: East Asian, 0.0025%; no homozygotes.

Submission:

Ambry Genetics
Classification: Uncertain significance. Last evaluated: 2021-08-04. Review status: criteria provided, single submitter. Criteria: Ambry Variant Classification Scheme 2023. Collection method: clinical testing. Allele origin: germline.
Comment: The p.R14W variant (also known as c.40C>T), located in coding exon 1 of the PRKDC gene, results from a C to T substitution at nucleotide position 40. The arginine at codon 14 is replaced by tryptophan, an amino acid with dissimilar properties. This amino acid position is conserved. In addition, this alteration is predicted to be tolerated by in silico analysis. Since supporting evidence is limited at this time, the clinical significance of this alteration remains unclear.

NM_006904.7(PRKDC):c.40C>T (p.Arg14Trp)

Genes: PRKDC (protein kinase, DNA-activated, catalytic subunit; minus strand), LOC129929030 (ATAC-STARR-seq lymphoblastoid silent region 19177; plus strand). Cytogenetic location: 8q11.21.
Variant type: single nucleotide variant.
Coding change: c.40C>T on transcript NM_006904.7 (MANE Select); coding-DNA position 40, C replaced by T.
Protein change: p.Arg14Trp; replaces arginine 14 with tryptophan.
Molecular consequence: missense variant.
Genome position (GRCh38, 1-based): chr8:47,960,087, G>A on the plus strand (C>T on the coding strand, the complement: PRKDC is on the minus strand). VCF-style: chr8-47960087-G-A. GRCh37 (hg19) VCF-style: chr8-48872647-G-A.
Other names: c.40C>T, p.Arg14Trp (NM_001081640.2); short protein forms R14W.
Identifiers: ClinVar variation 1737832 (VCV001737832.2), dbSNP rs934836988, ClinGen allele CA371143033.
Genomic context (GRCh38, chr8:47,960,087, plus strand): 5'-GTTGATGACCGGCCAGGGCAGCACCGCAGCGGTCCGCAGCGGACAAGGTCTCCTGCAGCC[G>A]CAGCAGGGAGCAACGCACACCGGCTCCGGAGCCCGCCATGCCGCCGAGTCCCGCTCCCGC-3'
Protein context (NP_008835.5, residues 4-24): SGAGVRCSLL[Arg14Trp]LQETLSAADR